The following is an entry in ClinVar:

NM_000021.4(PSEN1):c.1174C>G (p.Leu392Val)

Gene: PSEN1 (presenilin 1; plus strand). Cytogenetic location: 14q24.2.
Variant type: single nucleotide variant.
Coding change: c.1174C>G on transcript NM_000021.4 (MANE Select); coding-DNA position 1174, C replaced by G.
Protein change: p.Leu392Val; replaces leucine 392 with valine.
Molecular consequence: missense variant.
Genome position (GRCh38, 1-based): chr14:73,217,170, C>G. VCF-style: chr14-73217170-C-G. GRCh37 (hg19) VCF-style: chr14-73683878-C-G.
Other names: c.1162C>G, p.Leu388Val (NM_007318.3); short protein forms L392V, L388V.
Identifiers: ClinVar variation 98106 (VCV000098106.9), dbSNP rs63751416, ClinGen allele CA225167.

ClinVar aggregate classification (germline): Pathogenic. Review status: criteria provided, multiple submitters, no conflicts (2 of 4 stars). 4 submissions from 4 submitters: Pathogenic (3). 1 of the submissions does not count toward it. Last evaluated 2025-03-31.

Conditions:
Alzheimer disease 3 (AD3). Also called: ALZHEIMER DISEASE, FAMILIAL, 3. Identifiers: Orphanet 1020, MedGen C1843013, MONDO:0011913, OMIM 607822.
Pick disease. Also called: Pick's disease; DEMENTIA WITH LOBAR ATROPHY AND NEURONAL CYTOPLASMIC INCLUSIONS; LOBAR ATROPHY OF BRAIN; PICK DISEASE OF BRAIN; Pick Disease of the Brain. Identifiers: Orphanet 282, MedGen C0236642, MONDO:0008243, OMIM 172700.
Frontotemporal dementia (FTD1). Also called: FRONTOTEMPORAL DEMENTIA WITH PARKINSONISM; FRONTOTEMPORAL LOBE DEMENTIA; MULTIPLE SYSTEM TAUOPATHY WITH PRESENILE DEMENTIA; Dementia, frontotemporal, with or without parkinsonism; Frontotemporal Dementia with Parkinsonism-17 (FTDP-17); FRONTOTEMPORAL LOBAR DEGENERATION WITH TAU INCLUSIONS. Identifiers: Orphanet 282, MedGen C0338451, MONDO:0017276, OMIM 600274, HP:0002145.
Acne inversa, familial, 3 (ACNINV3). Identifiers: MedGen C3151038, MONDO:0013398, OMIM 613737.

Submissions (4):

Dasa
Classification: Pathogenic. Last evaluated: 2025-03-31. Review status: criteria provided, single submitter. Criteria: DASA Assertion Criteria. Collection method: clinical testing. Allele origin: germline.
Comment: NM_000021.4(PSEN1):c.1174C>G (p.Leu392Val) is a missense variant that results in the substitution of leucine with valine. The affected residue or protein region has prior evidence supporting clinical relevance. Segregation evidence has been reported in affected families. Functional evidence supports a deleterious effect on the gene or gene product (PMID: 11094128; PMID: 10441572; PMID: 16033913; PMID: 19196715; PMID: 23843529). This variant has been recurrently observed in individuals with related phenotype (PMID: 11094128; PMID: 10441572; PMID: 16033913; PMID: 19196715; PMID: 23843529). Multiple computational predictions support a deleterious effect on the gene or gene product. The variant is present at low frequency in population datasets. Based on the available data, this variant is classified as pathogenic.

Athena Diagnostics
Classification: Pathogenic. Last evaluated: 2024-05-16. Review status: criteria provided, single submitter. Criteria: Athena Diagnostics Criteria. Collection method: clinical testing. Allele origin: unknown.
Comment: This variant has not been reported in large, multi-ethnic general populations (Genome Aggregation Database (gnomAD), Cambridge, MA (URL)). This variant has been identified in multiple unrelated individuals with autosomal dominant Alzheimer's disease. Assessment of experimental evidence suggests this variant results in abnormal protein function. (PMID: 8986743, 27014058, 23843529, 19196715, 18587238, 10327206)

Labcorp Genetics (formerly Invitae), Labcorp
Classification: Pathogenic for Alzheimer disease 3; Pick disease; Acne inversa, familial, 3; Frontotemporal dementia. Last evaluated: 2022-07-21. Review status: criteria provided, single submitter. Criteria: Invitae Variant Classification Sherloc (09022015). Collection method: clinical testing. Allele origin: germline.
Comment: This sequence change replaces leucine, which is neutral and non-polar, with valine, which is neutral and non-polar, at codon 392 of the PSEN1 protein (p.Leu392Val). This variant is not present in population databases (gnomAD no frequency). This missense change has been observed in individuals with early onset Alzheimer disease (PMID: 10441572, 16033913; Invitae). It has also been observed to segregate with disease in related individuals. ClinVar contains an entry for this variant (Variation ID: 98106). Advanced modeling of protein sequence and biophysical properties (such as structural, functional, and spatial information, amino acid conservation, physicochemical variation, residue mobility, and thermodynamic stability) performed at Invitae indicates that this missense variant is expected to disrupt PSEN1 protein function. Experimental studies have shown that this missense change affects PSEN1 function (PMID: 19196715, 23843529, 24918054). This variant disrupts the p.Leu392 amino acid residue in PSEN1. Other variant(s) that disrupt this residue have been determined to be pathogenic (PMID: 11094128; Invitae). This suggests that this residue is clinically significant, and that variants that disrupt this residue are likely to be disease-causing. For these reasons, this variant has been classified as Pathogenic.

VIB  Department of Molecular Genetics, University of Antwerp
No classification provided. Review status: no classification provided. Collection method: not provided. Allele origin: not provided. Not counted in ClinVar's aggregate classification.

Literature cited by the submitters: PubMed 11094128 (cited by Dasa and Labcorp Genetics (formerly Invitae), Labcorp); PubMed 10441572 (cited by 3 submitters); PubMed 16033913 (cited by 3 submitters); PubMed 19196715 (cited by 3 submitters); PubMed 23843529 (cited by 3 submitters); PubMed 24918054 (cited by Dasa and Labcorp Genetics (formerly Invitae), Labcorp); PubMed 27014058 (cited by Athena Diagnostics); PubMed 21559198 (cited by Athena Diagnostics); PubMed 10754226 (cited by Athena Diagnostics); PubMed 11992262 (cited by Athena Diagnostics); PubMed 24860142 (cited by Athena Diagnostics); PubMed 8634712 (cited by Athena Diagnostics); PubMed 8986743 (cited by Athena Diagnostics); PubMed 7824141 (cited by Athena Diagnostics); PubMed 18587238 (cited by Athena Diagnostics); PubMed 22906081 (cited by Athena Diagnostics); PubMed 24625695 (cited by Athena Diagnostics); PubMed 34389718 (cited by Athena Diagnostics); PubMed 38215435 (cited by Athena Diagnostics); PubMed 38281098 (cited by Athena Diagnostics); PubMed 10327206 (cited by Athena Diagnostics); PubMed 7651536 (cited by Athena Diagnostics).